The following is an entry in ClinVar:

ClinVar aggregate classification (germline): Conflicting classifications of pathogenicity. Review status: criteria provided, conflicting classifications (1 of 4 stars). 5 submissions from 5 submitters: Uncertain significance (4); Likely benign (1). Last evaluated 2025-11-10.

Conditions:
Hereditary cancer-predisposing syndrome. Also called: Neoplastic Syndromes, Hereditary; Tumor predisposition; Hereditary Cancer Syndrome; Hereditary neoplastic syndrome. Identifiers: Orphanet 140162, MedGen C0027672, MeSH D009386, MONDO:0015356.
Familial cancer of breast. Also called: BREAST CANCER, FAMILIAL; Hereditary breast cancer; hereditary breast carcinoma. Identifiers: Orphanet 227535, MedGen C0346153, MONDO:0016419, OMIM 114480. Disease mechanism: loss of function.

Allele frequency attached by ClinVar (database versions not stated): gnomAD exomes below 0.00001; ExAC 0.00001; gnomAD 0.00001.
gnomAD v4.1: 2 of 1,614,000 alleles (0.00012%); highest among the groups gnomAD compares: Non-Finnish European, 0.000085%; no homozygotes.

Submissions (5):

Women's Health and Genetics/Laboratory Corporation of America, LabCorp
Classification: Uncertain significance. Last evaluated: 2025-11-10. Review status: criteria provided, single submitter. Criteria: LabCorp Variant Classification Summary - May 2015. Collection method: clinical testing. Allele origin: germline.
Comment: Variant summary: BARD1 c.1025G>A (p.Ser342Asn) results in a conservative amino acid change in the encoded protein sequence. Algorithms developed to predict the effect of missense changes on protein structure and function all suggest that this variant is likely to be tolerated. The variant allele was found at a frequency of 4e-06 in 251194 control chromosomes. The available data on variant occurrences in the general population are insufficient to allow any conclusion about variant significance. To our knowledge, no occurrence of c.1025G>A in individuals affected with BARD1-related conditions has been reported. At least one publication reports experimental evidence evaluating an impact on protein function. The most pronounced variant effect results in >80% of HDR activity (Adamovich_2019). The following publication have been ascertained in the context of this evaluation (PMID: 30925164). ClinVar contains an entry for this variant (Variation ID: 925923). Based on the evidence outlined above, the variant was classified as uncertain significance.

Quest Diagnostics Nichols Institute San Juan Capistrano
Classification: Uncertain significance. Last evaluated: 2025-04-21. Review status: criteria provided, single submitter. Criteria: Quest Diagnostics criteria. Collection method: clinical testing. Allele origin: unknown.
Comment: The BARD1 c.1025G>A (p.Ser342Asn) variant has been reported in the published literature in individuals with breast cancer in a large-scale breast cancer association study (PMID: 30925164 (2019), see also LOVD). Published functional studies show that this variant does not affect BARD1 function in a homology-directed DNA repair assay (PMID: 30925164 (2019)). The frequency of this variant in the general population (Genome Aggregation Database) is uninformative in the assessment of its pathogenicity. Analysis of this variant using bioinformatics tools for the prediction of the effect of amino acid changes on protein structure and function yielded predictions that this variant is benign. Based on the available information, we are unable to determine the clinical significance of this variant.

Labcorp Genetics (formerly Invitae), Labcorp
Classification: Uncertain significance for Familial cancer of breast. Last evaluated: 2024-05-29. Review status: criteria provided, single submitter. Criteria: Invitae Variant Classification Sherloc (09022015). Collection method: clinical testing. Allele origin: germline.
Comment: This sequence change replaces serine, which is neutral and polar, with asparagine, which is neutral and polar, at codon 342 of the BARD1 protein (p.Ser342Asn). This variant is present in population databases (rs760950550, gnomAD 0.0009%). This variant has not been reported in the literature in individuals affected with BARD1-related conditions. ClinVar contains an entry for this variant (Variation ID: 925923). An algorithm developed to predict the effect of missense changes on protein structure and function (PolyPhen-2) suggests that this variant is likely to be tolerated. Experimental studies have shown that this missense change does not substantially affect BARD1 function (PMID: 30925164). In summary, the available evidence is currently insufficient to determine the role of this variant in disease. Therefore, it has been classified as a Variant of Uncertain Significance.

Ambry Genetics
Classification: Likely benign for Hereditary cancer-predisposing syndrome. Last evaluated: 2021-08-03. Review status: criteria provided, single submitter. Criteria: Ambry Variant Classification Scheme 2023. Collection method: clinical testing. Allele origin: germline.

Color Diagnostics, LLC DBA Color Health
Classification: Uncertain significance for Hereditary cancer-predisposing syndrome. Last evaluated: 2019-09-19. Review status: criteria provided, single submitter. Criteria: ACMG Guidelines, 2015. Collection method: clinical testing. Allele origin: germline.
Comment: This missense variant replaces serine with asparagine at codon 342 of the BARD1 protein. Computational prediction tool suggests that this variant may not impact protein structure and function (internally defined REVEL score threshold ≤0.5, PMID: 27666373). Splice site prediction tools suggest that this variant may not impact RNA splicing. To our knowledge, functional studies have not been performed for this variant. This variant has not been reported in individuals affected with hereditary cancer in the literature. This variant has been identified in 1/251194 chromosomes in the general population by the Genome Aggregation Database (gnomAD). The available evidence is insufficient to determine the role of this variant in disease conclusively. Therefore, this variant is classified as a Variant of Uncertain Significance.

Literature cited by the submitters: PubMed 30925164 (cited by 4 submitters); PubMed 33471991 (cited by Quest Diagnostics Nichols Institute San Juan Capistrano and Ambry Genetics).

NM_000465.4(BARD1):c.1025G>A (p.Ser342Asn)

Gene: BARD1 (BRCA1 associated RING domain 1; minus strand). Cytogenetic location: 2q35.
Variant type: single nucleotide variant.
Coding change: c.1025G>A on transcript NM_000465.4 (MANE Select); coding-DNA position 1025, G replaced by A.
Protein change: p.Ser342Asn; replaces serine 342 with asparagine.
Molecular consequence: missense variant. On other transcripts: non-coding transcript variant (2), intron variant (3).
Genome position (GRCh38, 1-based): chr2:214,780,849, C>T on the plus strand (G>A on the coding strand, the complement: BARD1 is on the minus strand). VCF-style: chr2-214780849-C-T. GRCh37 (hg19) VCF-style: chr2-215645573-C-T.
Other names: c.968G>A, p.Ser323Asn (NM_001282543.2); c.159-28294G>A (NM_001282548.2); c.215+16212G>A (NM_001282545.2); c.364+11448G>A (NM_001282549.2); c.1025G>A (NM_000465.2, NM_000465.3); short protein forms S342N, S323N.
Identifiers: ClinVar variation 925923 (VCV000925923.12), dbSNP rs760950550, ClinGen allele CA2090346.